The following is an entry in ClinVar:

NM_153717.3(EVC):c.40_41insACTGTCTCTTA (p.Leu14fs)

Gene: EVC (EvC ciliary complex subunit 1; plus strand). Cytogenetic location: 4p16.2.
Variant type: Insertion.
Coding change: c.40_41insACTGTCTCTTA on transcript NM_153717.3 (MANE Select); coding-DNA positions 40 to 41, ACTGTCTCTTA inserted.
Protein change: p.Leu14fs; shifts the reading frame from leucine 14.
Molecular consequence: frameshift variant.
Genome position: GRCh38 VCF-style: chr4-5711420-C-CACTGTCTCTTA. GRCh37 (hg19) VCF-style: chr4-5713147-C-CACTGTCTCTTA.
Other names: c.40_41insACTGTCTCTTA, p.Leu14fs (NM_001306090.2, NM_001306092.2); short protein forms L14fs.
Identifiers: ClinVar variation 1724291 (VCV001724291.2), dbSNP rs2474192907, ClinGen allele CA2580070799.
Genomic context (GRCh38, chr4:5,711,420, plus strand): 5'-GCGGCAGCCTGAGCGCCCCGGATGGCCCGCGGCGGGGCGGCCTGCAAGAGCGACGCGCGG[C>CACTGTCTCTTA]TGCTGCTGGGGCGGGACGCGCTGCGGCCGGCGCCCGCCCTGCTGGCCCCCGCCGTGCTGC-3'

ClinVar aggregate classification (germline): Likely pathogenic (1 of 4 stars; one submission).

Conditions:
Ellis-van Creveld syndrome (EVC). Also called: EVC-Related Ellis-van Creveld Syndrome; EVC2-Related Ellis-van Creveld Syndrome; MESOECTODERMAL DYSPLASIA; Chondroectodermal dysplasia. Identifiers: Orphanet 289, MedGen C0013903, MONDO:0009162, OMIM 225500.

Submission:

Myriad Genetics, Inc.
Classification: Likely pathogenic for Ellis-van Creveld syndrome. Last evaluated: 2022-02-04. Review status: criteria provided, single submitter. Criteria: Myriad Women's Health Autosomal Recessive and X-Linked Classification Criteria (2021). Collection method: clinical testing. Allele origin: unknown.
Comment: NM_153717.2(EVC):c.40_41ins11(L14Hfs*106) is expected to be pathogenic in the context of EVC-related Ellis-van Creveld syndrome. This variant is predicted to lead to an abnormal or absent protein product due to the creation of a premature termination codon in EVC, a gene where loss-of-function variants are known to be pathogenic. Please note: this variant was assessed in the context of healthy population screening.